The following is an entry in ClinVar:

ClinVar aggregate classification (germline): Likely pathogenic (1 of 4 stars; one submission).

Conditions:
Combined oxidative phosphorylation defect type 20. Also called: Combined oxidative phosphorylation deficiency 20. Identifiers: Orphanet 420728, MedGen C4014660, MONDO:0014397, OMIM 615917.

Submission:

Baylor Genetics
Classification: Likely pathogenic for Combined oxidative phosphorylation defect type 20. Last evaluated: 2019-11-15. Review status: criteria provided, single submitter. Criteria: ACMG Guidelines, 2015. Collection method: clinical testing. Allele origin: paternal. Affected: yes.
Comment: This variant was determined to be likely pathogenic according to ACMG Guidelines, 2015 [PMID:25741868].

NM_020442.6(VARS2):c.2869_2876dup (p.Leu961fs)

Gene: VARS2 (valyl-tRNA synthetase 2, mitochondrial; plus strand). Cytogenetic location: 6p21.33.
Variant type: Duplication.
Coding change: c.2869_2876dup on transcript NM_020442.6 (MANE Select); coding-DNA positions 2869 to 2876, 8 bases duplicated (GCTGTGGG; older notation c.2869_2876dupGCTGTGGG).
Protein change: p.Leu961fs; shifts the reading frame from leucine 961.
Molecular consequence: frameshift variant.
Genome position (GRCh38, 1-based): chr6:30,925,627-30,925,634, GCTGTGGG duplicated; duplicating any 8 consecutive bases within chr6:30,925,620-30,925,634 gives the same sequence; the c. name uses the placement nearest the transcript's 3' end. VCF-style (leftmost placement, unchanged base first): chr6-30925619-A-ACTGTGGGG. GRCh37 (hg19) VCF-style: chr6-30893396-A-ACTGTGGGG.
Other names: c.2449_2456dup, p.Leu821fs (NM_001167733.3); c.2959_2966dup, p.Leu991fs (NM_001167734.2); short protein forms L821fs, L991fs, L961fs.
Identifiers: ClinVar variation 1029203 (VCV001029203.1), dbSNP rs1794789052, ClinGen allele CA1618929442.
Genomic context (GRCh38, chr6:30,925,619, plus strand): 5'-CAGAGCCTGGGGACCAGGGCCTCTTCGAGGCCTTCTTGGAGCCCCTGGGCACCCTGGGCT[A>ACTGTGGGG]CTGTGGGGCTGTGGGCCTGTTACCCCCAGGCGCAGCAGCTCCCTCCGGCTGGGCCCAGGC-3'